The following is an entry in ClinVar:

ClinVar aggregate classification (germline): Pathogenic/Likely pathogenic. Review status: criteria provided, multiple submitters, no conflicts (2 of 4 stars). 7 submissions from 6 submitters: Pathogenic (4); Likely pathogenic (1). 2 of the submissions do not count toward it. Last evaluated 2023-12-06.

Conditions:
Amyotrophic lateral sclerosis type 23. Identifiers: MedGen C4693381, MONDO:0027694, OMIM 617839.
Inclusion body myopathy and brain white matter abnormalities (IBMWMA). Also called: MULTISYSTEM PROTEINOPATHY 6. Identifiers: MedGen C5676909, MONDO:0850514, OMIM 619733.

Allele frequency attached by ClinVar (database versions not stated): gnomAD exomes below 0.00001.
gnomAD v4.1: 1 of 1,528,904 alleles (0.000065%); highest among the groups gnomAD compares: Non-Finnish European, 0.000087%; no homozygotes.

Submissions (7):

Baylor Genetics
Classification: Pathogenic for Inclusion body myopathy and brain white matter abnormalities. Last evaluated: 2023-12-06. Review status: criteria provided, single submitter. Criteria: ACMG Guidelines, 2015. Collection method: clinical testing. Allele origin: unknown.

Baylor Genetics
Classification: Pathogenic for Amyotrophic lateral sclerosis type 23. Last evaluated: 2023-12-06. Review status: criteria provided, single submitter. Criteria: ACMG Guidelines, 2015. Collection method: clinical testing. Allele origin: unknown.

3billion
Classification: Pathogenic for Inclusion body myopathy and brain white matter abnormalities. Last evaluated: 2023-02-23. Review status: criteria provided, single submitter. Criteria: ACMG Guidelines, 2015. Collection method: clinical testing. Allele origin: unknown. Affected: yes.
Comment: The variant is not observed in the gnomAD v2.1.1 dataset. Missense changes are a common disease-causing mechanism.Same nucleotide change resulting in same amino acid change has been previously reported to be associated with ANXA11 related disorder (ClinVar ID: VCV000802593). The variant has been observed in multiple (>3) similarly affected unrelated individuals (PMID: 34048612 / 3billion dataset). The variant has been reported to co-segregate with the disease in at least 7 similarly affected relatives/individuals in at least two unrelated families (PMID: 34048612). A different missense change at the same codon (p.Asp40Gly) has been reported to be associated with ANXA11 related disorder (ClinVar ID: VCV000488353 / PMID: 28469040). Therefore, this variant is classified as Pathogenic according to the recommendation of ACMG/AMP guideline.

Labcorp Genetics (formerly Invitae), Labcorp
Classification: Pathogenic. Last evaluated: 2022-04-07. Review status: criteria provided, single submitter. Criteria: Invitae Variant Classification Sherloc (09022015). Collection method: clinical testing. Allele origin: germline.
Comment: ClinVar contains an entry for this variant (Variation ID: 802593). This variant is not present in population databases (gnomAD no frequency). This sequence change replaces aspartic acid, which is acidic and polar, with tyrosine, which is neutral and polar, at codon 40 of the ANXA11 protein (p.Asp40Tyr). This missense change has been observed in individuals with ANXA11-related conditions (PMID: 34048612). It has also been observed to segregate with disease in related individuals. Algorithms developed to predict the effect of missense changes on protein structure and function are either unavailable or do not agree on the potential impact of this missense change (SIFT: "Deleterious"; PolyPhen-2: "Not Available"; Align-GVGD: "Class C0"). This variant disrupts the p.Asp40 amino acid residue in ANXA11. Other variant(s) that disrupt this residue have been determined to be pathogenic (PMID: 28469040, 29845112, 33087501). This suggests that this residue is clinically significant, and that variants that disrupt this residue are likely to be disease-causing. For these reasons, this variant has been classified as Pathogenic.

Mendelics
Classification: Likely pathogenic for Amyotrophic lateral sclerosis type 23. Last evaluated: 2019-05-28. Review status: criteria provided, single submitter. Criteria: Mendelics Assertion Criteria 2017. Collection method: clinical testing. Allele origin: unknown.

Undiagnosed Diseases Network, NIH
Classification: Pathogenic for Inclusion body myopathy and brain white matter abnormalities. Last evaluated: 2024-01-11. Review status: no assertion criteria provided. Collection method: clinical testing. Allele origin: unknown. Inheritance: Autosomal dominant inheritance. Affected: yes. Observed: 2 variant alleles, 2 heterozygotes. Clinical features observed: Progressive muscle weakness (HP:0003323), Muscular dystrophy (HP:0003560), Scapular winging (HP:0003691), Weakness of facial musculature (HP:0030319), Eyelid laxity (HP:0031880). Study: Undiagnosed Diseases Network (NIH), UDN. Not counted in ClinVar's aggregate classification.

OMIM
Classification: Pathogenic for INCLUSION BODY MYOPATHY AND BRAIN WHITE MATTER ABNORMALITIES. Last evaluated: 2022-02-15. Review status: no assertion criteria provided. Collection method: literature only. Allele origin: germline. Not counted in ClinVar's aggregate classification.

Literature cited by the submitters: PubMed 34048612 (cited by 3 submitters); PubMed 28469040 (cited by 3billion and Labcorp Genetics (formerly Invitae), Labcorp); PubMed 29845112 (cited by Labcorp Genetics (formerly Invitae), Labcorp); PubMed 33087501 (cited by Labcorp Genetics (formerly Invitae), Labcorp).

NM_145868.2(ANXA11):c.118G>T (p.Asp40Tyr)

Gene: ANXA11 (annexin A11; minus strand). Cytogenetic location: 10q22.3.
Variant type: single nucleotide variant.
Coding change: c.118G>T on transcript NM_145868.2 (MANE Select); coding-DNA position 118, G replaced by T.
Protein change: p.Asp40Tyr; replaces aspartic acid 40 with tyrosine.
Molecular consequence: missense variant.
Genome position (GRCh38, 1-based): chr10:80,170,853, C>A on the plus strand (G>T on the coding strand, the complement: ANXA11 is on the minus strand). VCF-style: chr10-80170853-C-A. GRCh37 (hg19) VCF-style: chr10-81930609-C-A.
Other names: p.D40Y; c.118G>T, p.Asp40Tyr (NM_001157.3, NM_001278407.2, NM_001278408.2 and 1 more transcripts); c.19G>T, p.Asp7Tyr (NM_001278409.2); short protein forms D40Y, D7Y.
Identifiers: ClinVar variation 802593 (VCV000802593.10), dbSNP rs368751524, ClinGen allele CA377368827.
Genomic context (GRCh38, chr10:80,170,853, plus strand): 5'-GACTCACCATTCCCGAGAGATAGTCCTGGTTGAACTGCCCCGCATAGGTGGCCACGTTAT[C>A]CAGCCCGATGGGGGGCATGCTGGGCGGAGGAGGGTAGGCAGCACCTCCCCAGGGACCACC-3'
Protein context (NP_665875.1, residues 30-50): PPPSMPPIGL[Asp40Tyr]NVATYAGQFN